The following is an entry in ClinVar:

NM_001457.4(FLNB):c.5618A>G (p.Asp1873Gly)

Gene: FLNB (filamin B; plus strand). Cytogenetic location: 3p14.3.
Variant type: single nucleotide variant.
Coding change: c.5618A>G on transcript NM_001457.4 (MANE Select); coding-DNA position 5618, A replaced by G.
Protein change: p.Asp1873Gly; replaces aspartic acid 1873 with glycine.
Molecular consequence: missense variant.
Genome position (GRCh38, 1-based): chr3:58,146,883, A>G. VCF-style: chr3-58146883-A-G. GRCh37 (hg19) VCF-style: chr3-58132610-A-G.
Other names: c.5711A>G, p.Asp1904Gly (NM_001164317.2); c.5585A>G, p.Asp1862Gly (NM_001164318.2); c.5546A>G, p.Asp1849Gly (NM_001164319.2); short protein forms D1849G, D1862G, D1873G, D1904G.
Identifiers: ClinVar variation 1006459 (VCV001006459.5), dbSNP rs2097336601, ClinGen allele CA353354978.

ClinVar aggregate classification (germline): Uncertain significance (1 of 4 stars; one submission).

Submission:

Labcorp Genetics (formerly Invitae), Labcorp
Classification: Uncertain significance. Last evaluated: 2024-10-12. Review status: criteria provided, single submitter. Criteria: Invitae Variant Classification Sherloc (09022015). Collection method: clinical testing. Allele origin: germline.
Comment: This sequence change replaces aspartic acid, which is acidic and polar, with glycine, which is neutral and non-polar, at codon 1873 of the FLNB protein (p.Asp1873Gly). This variant is not present in population databases (gnomAD no frequency). This variant has not been reported in the literature in individuals affected with FLNB-related conditions. ClinVar contains an entry for this variant (Variation ID: 1006459). Invitae Evidence Modeling of protein sequence and biophysical properties (such as structural, functional, and spatial information, amino acid conservation, physicochemical variation, residue mobility, and thermodynamic stability) has been performed for this missense variant. However, the output from this modeling did not meet the statistical confidence thresholds required to predict the impact of this variant on FLNB protein function. In summary, the available evidence is currently insufficient to determine the role of this variant in disease. Therefore, it has been classified as a Variant of Uncertain Significance.